The following is an entry in ClinVar:

NM_000219.6(KCNE1):c.-531C>T

Gene: KCNE1 (potassium voltage-gated channel subfamily E regulatory subunit 1; minus strand). Cytogenetic location: 21q22.12.
Variant type: single nucleotide variant.
Coding change: c.-531C>T on transcript NM_000219.6 (MANE Select); 531 bases upstream of the start codon, C replaced by T.
Molecular consequence: 5 prime UTR variant.
Genome position (GRCh38, 1-based): chr21:34,512,181, G>A on the plus strand (C>T on the coding strand, the complement: KCNE1 is on the minus strand). VCF-style: chr21-34512181-G-A. GRCh37 (hg19) VCF-style: chr21-35884479-G-A.
Identifiers: ClinVar variation 898663 (VCV000898663.4), dbSNP rs41315473, ClinGen allele CA320437884.

ClinVar aggregate classification (germline): Likely benign. Review status: criteria provided, single submitter (1 of 4 stars). 2 submissions from 1 submitter: Likely benign (2). Last evaluated 2017-04-27.

Conditions:
Jervell and Lange-Nielsen syndrome 2 (JLNS2). Identifiers: Orphanet 768, Orphanet 90647, MedGen C2676723, MONDO:0012871, OMIM 612347.
Long QT syndrome 5 (LQT5). Identifiers: Orphanet 101016, Orphanet 768, MedGen C1867904, MONDO:0013372, OMIM 613695.

Allele frequency attached by ClinVar (database versions not stated): gnomAD 0.00039 and 0.00041; TOPMed 0.00052; 1000 Genomes Project 30x 0.00062; 1000 Genomes Project 0.00080.

Submissions (2):

Illumina Laboratory Services, Illumina
Classification: Likely benign for Jervell and Lange-Nielsen syndrome 2. Last evaluated: 2017-04-27. Review status: criteria provided, single submitter. Criteria: ICSL Variant Classification Criteria 13 December 2019. Collection method: clinical testing. Allele origin: germline.
Comment: This variant was observed as part of a predisposition screen in an ostensibly healthy population. A literature search was performed for the gene, cDNA change, and amino acid change (where applicable). Publications were found based on this search. The evidence from the literature, in combination with allele frequency data from public databases where available, was sufficient to determine this variant is unlikely to cause disease. Therefore, this variant is classified as likely benign.

Illumina Laboratory Services, Illumina
Classification: Likely benign for Long QT syndrome 5. Last evaluated: 2017-04-27. Review status: criteria provided, single submitter. Criteria: ICSL Variant Classification Criteria 13 December 2019. Collection method: clinical testing. Allele origin: germline.
Comment: the same text as in the submission from Illumina Laboratory Services, Illumina above.

Literature cited by the submitters: PubMed 19214780.